The following is an entry in ClinVar:

ClinVar aggregate classification (germline): Uncertain significance (1 of 4 stars; one submission).

Submission:

GeneDx
Classification: Uncertain significance. Last evaluated: 2024-05-28. Review status: criteria provided, single submitter. Criteria: GeneDx Variant Classification Process June 2021. Collection method: clinical testing. Allele origin: germline. Affected: yes.
Comment: Has not been previously published as pathogenic or benign to our knowledge; Not observed at significant frequency in large population cohorts (gnomAD); Located in the myosin motor domain, a region enriched with missense variants reported in association with HCM (PMID: 27532257, 29300372); In silico analysis indicates that this missense variant does not alter protein structure/function; This variant is associated with the following publications: (PMID: 27532257, 29300372)

NM_000257.4(MYH7):c.289C>A (p.His97Asn)

Gene: MYH7 (myosin heavy chain 7; minus strand). Cytogenetic location: 14q11.2.
Variant type: single nucleotide variant.
Coding change: c.289C>A on transcript NM_000257.4 (MANE Select); coding-DNA position 289, C replaced by A.
Protein change: p.His97Asn; replaces histidine 97 with asparagine.
Molecular consequence: missense variant.
Genome position (GRCh38, 1-based): chr14:23,433,140, G>T on the plus strand (C>A on the coding strand, the complement: MYH7 is on the minus strand). VCF-style: chr14-23433140-G-T. GRCh37 (hg19) VCF-style: chr14-23902349-G-T.
Other names: c.289C>A, p.His97Asn (NM_001407004.1); short protein forms H97N.
Identifiers: ClinVar variation 3383780 (VCV003383780.1).